The following is an entry in ClinVar:

NM_001009944.3(PKD1):c.11411+1G>T

Genes: PKD1 (polycystin 1, transient receptor potential channel interacting; minus strand), PKD1-AS1 (PKD1 antisense RNA 1; plus strand). Cytogenetic location: 16p13.3.
Variant type: single nucleotide variant.
Coding change: c.11411+1G>T on transcript NM_001009944.3 (MANE Select); the canonical splice donor site of the intron after coding-DNA position 11411, G replaced by T.
Molecular consequence: splice donor variant.
Genome position (GRCh38, 1-based): chr16:2,092,046, C>A on the plus strand (G>T on the coding strand, the complement: PKD1 is on the minus strand). VCF-style: chr16-2092046-C-A. GRCh37 (hg19) VCF-style: chr16-2142047-C-A.
Other names: c.11408+1G>T (NM_000296.4).
Identifiers: ClinVar variation 3381970 (VCV003381970.3).
Genomic context (GRCh38, chr16:2,092,046, plus strand): 5'-ACTCCTGGAGAACTACTCCCTTGTCCTTGGCGTAGACGCCCGGGGCCCTCGCTCTGCTCA[C>A]CCCAGCAGATCCGGCGCTGAATAGGCCCACGTCCCCGAGCCATTGTGAGGACTCTCCCAG-3'

ClinVar aggregate classification (germline): Conflicting classifications of pathogenicity. Review status: criteria provided, conflicting classifications (1 of 4 stars). 2 submissions from 2 submitters: Likely pathogenic (1); Uncertain significance (1). Last evaluated 2024-01-26.

Conditions:
Polycystic kidney disease, adult type (PKD1). Also called: POLYCYSTIC KIDNEY DISEASE, ADULT, TYPE I; Polycystic Kidney Disease 1, Autosomal Dominant; Polycystic kidney disease 1; Polycystic kidney disease 1, severe; Polycystic Kidney, Autosomal Dominant; POLYCYSTIC KIDNEY DISEASE 1 WITH OR WITHOUT POLYCYSTIC LIVER DISEASE. Identifiers: MedGen C3149841, MONDO:0008263, OMIM 173900.

Submissions (2):

Fulgent Genetics
Classification: Likely pathogenic for Polycystic kidney disease, adult type. Last evaluated: 2024-01-26. Review status: criteria provided, single submitter. Criteria: ACMG Guidelines, 2015. Collection method: clinical testing. Allele origin: germline.

Juno Genomics, Hangzhou Juno Genomics, Inc
Classification: Uncertain significance for Polycystic kidney disease, adult type. Review status: criteria provided, single submitter. Criteria: ACMG Guidelines, 2015. Collection method: clinical testing. Allele origin: germline. Affected: yes.
Comment: Absent from controls (or at extremely low frequency if recessive) in Genome Aggregation Database, Exome Sequencing Project, 1000 Genomes Project, or Exome Aggregation Consortium.;Multiple lines of computational evidence support a deleterious effect on the gene or gene product (conservation, evolutionary, splicing impact, etc).